The following is an entry in ClinVar:

NM_003322.6(TULP1):c.1102G>A (p.Gly368Arg)

Gene: TULP1 (TUB like protein 1; minus strand). Cytogenetic location: 6p21.31.
Variant type: single nucleotide variant.
Coding change: c.1102G>A on transcript NM_003322.6 (MANE Select); coding-DNA position 1102, G replaced by A.
Protein change: p.Gly368Arg; replaces glycine 368 with arginine.
Molecular consequence: missense variant.
Genome position (GRCh38, 1-based): chr6:35,505,751, C>T on the plus strand (G>A on the coding strand, the complement: TULP1 is on the minus strand). VCF-style: chr6-35505751-C-T. GRCh37 (hg19) VCF-style: chr6-35473528-C-T.
Other names: c.943G>A, p.Gly315Arg (NM_001289395.2); short protein forms G315R, G368R.
Identifiers: ClinVar variation 4688529 (VCV004688529.1).

ClinVar aggregate classification (germline): Likely pathogenic (1 of 4 stars; one submission).

Conditions:
Leber congenital amaurosis (LCA). Also called: Leber's amaurosis. Identifiers: Orphanet 65, MedGen C0339527, MeSH D057130, MONDO:0018998.

gnomAD v4.1: 6 of 1,614,156 alleles (0.00037%); highest among the groups gnomAD compares: Admixed American, 0.0017%; no homozygotes.

Submission:

Women's Health and Genetics/Laboratory Corporation of America, LabCorp
Classification: Likely pathogenic for Leber congenital amaurosis. Last evaluated: 2025-12-05. Review status: criteria provided, single submitter. Criteria: LabCorp Variant Classification Summary - May 2015. Collection method: clinical testing. Allele origin: germline.
Comment: Variant summary: TULP1 c.1102G>A (p.Gly368Arg) results in a non-conservative amino acid change in the encoded protein sequence. Algorithms developed to predict the effect of missense changes on protein structure and function all suggest that this variant is likely to be disruptive. The variant allele was found at a frequency of 4e-06 in 251300 control chromosomes (gnomAD). c.1102G>A has been observed in an individual affected with Leber congenital amaurosis (Zenteno_2020). These data indicate that the variant may be associated with disease. A different variant affecting the same codon has been classified as pathogenic by our lab (c.1102G>T, p.Gly368Trp), supporting the critical relevance of codon 368 to TULP1 protein function. To our knowledge, no experimental evidence demonstrating an impact on protein function has been reported. No submitters have cited clinical-significance assessments for this variant to ClinVar. Based on the evidence outlined above, the variant was classified as likely pathogenic.

Literature cited by the submitters: PubMed 31736247.